The following is an entry in ClinVar:

NM_001044385.3(TMEM237):c.618G>A (p.Met206Ile)

Gene: TMEM237 (transmembrane protein 237; minus strand). Cytogenetic location: 2q33.1.
Variant type: single nucleotide variant.
Coding change: c.618G>A on transcript NM_001044385.3 (MANE Select); coding-DNA position 618, G replaced by A.
Protein change: p.Met206Ile; replaces methionine 206 with isoleucine.
Molecular consequence: missense variant.
Genome position (GRCh38, 1-based): chr2:201,629,788, C>T on the plus strand (G>A on the coding strand, the complement: TMEM237 is on the minus strand). VCF-style: chr2-201629788-C-T. GRCh37 (hg19) VCF-style: chr2-202494511-C-T.
Other names: c.594G>A, p.Met198Ile (NM_152388.4); short protein forms M198I, M206I.
Identifiers: ClinVar variation 957190 (VCV000957190.7), dbSNP rs767769973, ClinGen allele CA2056431.

ClinVar aggregate classification (germline): Uncertain significance (1 of 4 stars; one submission).

Conditions:
Joubert syndrome 14 (JBTS14). Identifiers: MedGen C3280766, MONDO:0013745, OMIM 614424.

Allele frequency attached by ClinVar (database versions not stated): gnomAD exomes below 0.00001; TOPMed below 0.00001; ExAC 0.00001.
gnomAD v4.1: 1 of 1,613,680 alleles (0.000062%); no homozygotes.

Submission:

Labcorp Genetics (formerly Invitae), Labcorp
Classification: Uncertain significance for Joubert syndrome 14. Last evaluated: 2022-09-06. Review status: criteria provided, single submitter. Criteria: Invitae Variant Classification Sherloc (09022015). Collection method: clinical testing. Allele origin: germline.
Comment: In summary, the available evidence is currently insufficient to determine the role of this variant in disease. Therefore, it has been classified as a Variant of Uncertain Significance. Algorithms developed to predict the effect of missense changes on protein structure and function (SIFT, PolyPhen-2, Align-GVGD) all suggest that this variant is likely to be tolerated. ClinVar contains an entry for this variant (Variation ID: 957190). This variant has not been reported in the literature in individuals affected with TMEM237-related conditions. This variant is present in population databases (rs767769973, gnomAD 0.0009%). This sequence change replaces methionine, which is neutral and non-polar, with isoleucine, which is neutral and non-polar, at codon 206 of the TMEM237 protein (p.Met206Ile).